The following is an entry in ClinVar:

NM_001267550.2(TTN):c.71952T>C (p.Phe23984=)

Genes: TTN (titin; minus strand), TTN-AS1 (TTN antisense RNA 1; plus strand). Cytogenetic location: 2q31.2.
Variant type: single nucleotide variant.
Coding change: c.71952T>C on transcript NM_001267550.2 (MANE Select); coding-DNA position 71952, T replaced by C.
Protein change: p.Phe23984=; no amino-acid change (phenylalanine 23984 retained).
Molecular consequence: synonymous variant.
Genome position (GRCh38, 1-based): chr2:178,574,180, A>G on the plus strand (T>C on the coding strand, the complement: TTN is on the minus strand). VCF-style: chr2-178574180-A-G. GRCh37 (hg19) VCF-style: chr2-179438907-A-G.
Other names: c.64248T>C, p.Phe21416= (NM_133378.4); c.67029T>C, p.Phe22343= (NM_001256850.1); c.44757T>C, p.Phe14919= (NM_003319.4); c.45132T>C, p.Phe15044= (NM_133432.3); c.45333T>C, p.Phe15111= (NM_133437.4).
Identifiers: ClinVar variation 179464 (VCV000179464.5), dbSNP rs727504881, ClinGen allele CA184473.

ClinVar aggregate classification (germline): Likely benign (1 of 4 stars; one submission).

Submission:

Laboratory for Molecular Medicine, Mass General Brigham Personalized Medicine
Classification: Likely benign. Last evaluated: 2013-12-26. Review status: criteria provided, single submitter. Criteria: LMM Criteria. Collection method: clinical testing. Allele origin: germline. Observed: 1 variant allele.
Comment: Phe21416Phe in exon 275 of TTN: This variant is not expected to have clinical si gnificance because it does not alter an amino acid residue and is not located wi thin the splice consensus sequence. Phe21416Phe in exon 275 of TTN (allele freq uency = n/a)